The following is an entry in ClinVar:

NM_004260.4(RECQL4):c.3592C>A (p.Leu1198Met)

Gene: RECQL4 (RecQ like helicase 4; minus strand). Cytogenetic location: 8q24.3.
Variant type: single nucleotide variant.
Coding change: c.3592C>A on transcript NM_004260.4 (MANE Select); coding-DNA position 3592, C replaced by A.
Protein change: p.Leu1198Met; replaces leucine 1198 with methionine.
Molecular consequence: missense variant. On other transcripts: non-coding transcript variant (3).
Genome position (GRCh38, 1-based): chr8:144,511,466, G>T on the plus strand (C>A on the coding strand, the complement: RECQL4 is on the minus strand). VCF-style: chr8-144511466-G-T. GRCh37 (hg19) VCF-style: chr8-145736849-G-T.
Other names: c.3298C>A, p.Leu1100Met (NM_001413017.1); c.3394C>A, p.Leu1132Met (NM_001413018.1); c.3667C>A, p.Leu1223Met (NM_001413019.1); c.3496C>A, p.Leu1166Met (NM_001413020.1); c.2521C>A, p.Leu841Met (NM_001413021.1, NM_001413022.1, NM_001413024.1 and 4 more transcripts); c.2596C>A, p.Leu866Met (NM_001413023.1); c.3463C>A, p.Leu1155Met (NM_001413025.1); c.2455C>A, p.Leu819Met (NM_001413027.1, NM_001413030.1, NM_001413032.1); and 9 more; short protein forms L1155M, L1188M, L1223M, L1100M, L1154M, L1166M, L831M, L841M.
Identifiers: ClinVar variation 3788025 (VCV003788025.1).

ClinVar aggregate classification (germline): Uncertain significance (1 of 4 stars; one submission).

Conditions:
Inborn genetic diseases. Identifiers: MedGen C0950123, MeSH D030342.

Submission:

Ambry Genetics
Classification: Uncertain significance for Inborn genetic diseases. Last evaluated: 2025-02-05. Review status: criteria provided, single submitter. Criteria: Ambry Variant Classification Scheme 2023. Collection method: clinical testing. Allele origin: germline.
Comment: The p.L1198M variant (also known as c.3592C>A), located in coding exon 21 of the RECQL4 gene, results from a C to A substitution at nucleotide position 3592. The leucine at codon 1198 is replaced by methionine, an amino acid with highly similar properties. This amino acid position is conserved. Based on the available evidence, the clinical significance of this variant remains unclear.